The following is an entry in ClinVar:

ClinVar aggregate classification (germline): Uncertain significance (1 of 4 stars; one submission).

Allele frequency attached by ClinVar (database versions not stated): gnomAD 0.00001.
gnomAD v4.1: 2 of 1,461,690 alleles (0.00014%); highest among the groups gnomAD compares: South Asian, 0.0013%; no homozygotes.

Submission:

Women's Health and Genetics/Laboratory Corporation of America, LabCorp
Classification: Uncertain significance. Last evaluated: 2023-08-02. Review status: criteria provided, single submitter. Criteria: LabCorp Variant Classification Summary - May 2015. Collection method: clinical testing. Allele origin: germline.
Comment: Variant summary: RNASEH2B c.28G>C (p.Gly10Arg) results in a non-conservative amino acid change in the encoded protein sequence. Three of five in-silico tools predict a benign effect of the variant on protein function. The variant allele was found at a frequency of 1.5e-05 in 67026 control chromosomes. To our knowledge, no occurrence of c.28G>C in individuals affected with Aicardi Goutieres Syndrome has been reported. At least one publication reports experimental evidence evaluating an impact on protein function due to p.Gly10Arg, but caused by a different nucleotide change (c.28G>A) (Gunther_2015). The most pronounced variant effect results in 30%-50% of normal Ribonuclease H2 enzymatic activity in-vitro. Additionally, thermal stability of the protein was reported to be decreased relative to wild-type, and subcellular localization was reported to be unaffected. The following publication has been ascertained in the context of this evaluation (PMID: 25500883). No submitters have cited clinical-significance assessments for this variant to ClinVar after 2014. Based on the evidence outlined above, the variant was classified as VUS-possibly pathogenic.

Literature cited by the submitters: PubMed 25500883.

NM_024570.4(RNASEH2B):c.28G>C (p.Gly10Arg)

Genes: RNASEH2B (ribonuclease H2 subunit B; plus strand), RNASEH2B-AS1 (RNASEH2B antisense RNA 1; minus strand), LOC130009810 (ATAC-STARR-seq lymphoblastoid silent region 5362; plus strand). Cytogenetic location: 13q14.3.
Variant type: single nucleotide variant.
Coding change: c.28G>C on transcript NM_024570.4 (MANE Select); coding-DNA position 28, G replaced by C.
Protein change: p.Gly10Arg; replaces glycine 10 with arginine.
Molecular consequence: missense variant.
Genome position (GRCh38, 1-based): chr13:50,910,104, G>C. VCF-style: chr13-50910104-G-C. GRCh37 (hg19) VCF-style: chr13-51484240-G-C.
Other names: c.28G>C, p.Gly10Arg (NM_001142279.2, NM_001411023.1); short protein forms G10R.
Identifiers: ClinVar variation 2581245 (VCV002581245.1), dbSNP rs1314779913, ClinGen allele CA388258407.